The following is an entry in ClinVar:

NM_001267550.2(TTN):c.6162C>T (p.Ala2054=)

Gene: TTN (titin; minus strand). Cytogenetic location: 2q31.2.
Variant type: single nucleotide variant.
Coding change: c.6162C>T on transcript NM_001267550.2 (MANE Select); coding-DNA position 6162, C replaced by T.
Protein change: p.Ala2054=; no amino-acid change (alanine 2054 retained).
Molecular consequence: synonymous variant.
Genome position (GRCh38, 1-based): chr2:178,775,702, G>A on the plus strand (C>T on the coding strand, the complement: TTN is on the minus strand). VCF-style: chr2-178775702-G-A. GRCh37 (hg19) VCF-style: chr2-179640429-G-A.
Other names: c.6024C>T, p.Ala2008= (NM_003319.4, NM_133432.3, NM_133437.4); c.6162C>T, p.Ala2054= (NM_133379.5, NM_001256850.1, NM_133378.4).
Identifiers: ClinVar variation 166313 (VCV000166313.56), dbSNP rs143265948, ClinGen allele CA179292.

ClinVar aggregate classification (germline): Benign/Likely benign. Review status: criteria provided, multiple submitters, no conflicts (2 of 4 stars). 12 submissions from 9 submitters: Benign (5); Likely benign (7). Last evaluated 2026-01-20.

Conditions:
Cardiovascular phenotype. Identifiers: MedGen CN230736.
Dilated cardiomyopathy 1G (CMD1G). Identifiers: Orphanet 154, MedGen C1858763, MONDO:0011400, OMIM 604145.
Autosomal recessive limb-girdle muscular dystrophy type 2J (LGMDR10). Also called: Limb-girdle muscular dystrophy, type 2J; MUSCULAR DYSTROPHY, LIMB-GIRDLE, AUTOSOMAL RECESSIVE 10. Identifiers: Orphanet 140922, MedGen C1837342, MONDO:0012127, OMIM 608807.
Hypertrophic cardiomyopathy 9. Also called: Familial hypertrophic cardiomyopathy 9. Identifiers: MedGen C1861065, MONDO:0013412, OMIM 613765.
Myopathy, myofibrillar, 9, with early respiratory failure (MFM9). Also called: Hereditary myopathy with early respiratory failure; MYOPATHY, PROXIMAL, WITH EARLY RESPIRATORY MUSCLE INVOLVEMENT; EDSTROM MYOPATHY; Myopathy, distal, with early respiratory failure, autosomal dominant. Identifiers: Orphanet 178464, Orphanet 34521, MedGen C1863599, MONDO:0011362, OMIM 603689.
Tibial muscular dystrophy (TMD). Also called: UDD MYOPATHY; Tibial muscular dystrophy, tardive; Udd Distal Myopathy – Tibial Muscular Dystrophy. Identifiers: Orphanet 609, MedGen C1838244, MONDO:0010870, OMIM 600334.
Early-onset myopathy with fatal cardiomyopathy (CMYO5). Also called: CONGENITAL MYOPATHY 5 WITH CARDIOMYOPATHY; Salih Myopathy. Identifiers: Orphanet 289377, MedGen C2673677, MONDO:0012714, OMIM 611705. Disease mechanism: loss of function.

Allele frequency attached by ClinVar (database versions not stated): ExAC 0.00002; gnomAD exomes 0.00003 and 0.00004; TOPMed 0.00003; gnomAD 0.00004; ESP Exome Variant Server 0.00008.
gnomAD v4.1: 58 of 1,613,856 alleles (0.0036%); highest among the groups gnomAD compares: African/African-American, 0.0053%; no homozygotes.

Submissions (12):

Women's Health and Genetics/Laboratory Corporation of America, LabCorp
Classification: Likely benign. Last evaluated: 2026-01-20. Review status: criteria provided, single submitter. Criteria: LabCorp Variant Classification Summary - May 2015. Collection method: clinical testing. Allele origin: germline.

Labcorp Genetics (formerly Invitae), Labcorp
Classification: Likely benign for Dilated cardiomyopathy 1G; Autosomal recessive limb-girdle muscular dystrophy type 2J. Last evaluated: 2025-12-16. Review status: criteria provided, single submitter. Criteria: Invitae Variant Classification Sherloc (09022015). Collection method: clinical testing. Allele origin: germline.

CeGaT Center for Human Genetics Tuebingen
Classification: Likely benign. Last evaluated: 2023-11-01. Review status: criteria provided, single submitter. Criteria: CeGaT Center For Human Genetics Tuebingen Variant Classification Criteria Version 2. Collection method: clinical testing. Allele origin: germline. Affected: yes. Observed: 1 variant allele.
Comment: TTN: BP4, BP7

Genome-Nilou Lab
Classification: Benign for Autosomal recessive limb-girdle muscular dystrophy type 2J. Last evaluated: 2021-09-10. Review status: criteria provided, single submitter. Criteria: ACMG Guidelines, 2015. Collection method: clinical testing. Allele origin: germline. Affected: no.

Genome-Nilou Lab
Classification: Benign for Myopathy, myofibrillar, 9, with early respiratory failure. Last evaluated: 2021-09-10. Review status: criteria provided, single submitter. Criteria: ACMG Guidelines, 2015. Collection method: clinical testing. Allele origin: germline. Affected: no.

Genome-Nilou Lab
Classification: Benign for Early-onset myopathy with fatal cardiomyopathy. Last evaluated: 2021-09-10. Review status: criteria provided, single submitter. Criteria: ACMG Guidelines, 2015. Collection method: clinical testing. Allele origin: germline. Affected: no.

Genome-Nilou Lab
Classification: Benign for Tibial muscular dystrophy. Last evaluated: 2021-09-10. Review status: criteria provided, single submitter. Criteria: ACMG Guidelines, 2015. Collection method: clinical testing. Allele origin: germline. Affected: no.

Fulgent Genetics
Classification: Likely benign for Tibial muscular dystrophy; Myopathy, myofibrillar, 9, with early respiratory failure; Dilated cardiomyopathy 1G; Autosomal recessive limb-girdle muscular dystrophy type 2J; Early-onset myopathy with fatal cardiomyopathy; Hypertrophic cardiomyopathy 9. Last evaluated: 2021-07-26. Review status: criteria provided, single submitter. Criteria: ACMG Guidelines, 2015. Collection method: clinical testing. Allele origin: unknown.

GeneDx
Classification: Benign. Last evaluated: 2015-07-16. Review status: criteria provided, single submitter. Criteria: GeneDx Variant Classification (06012015). Collection method: clinical testing. Allele origin: germline. Affected: yes.
Comment: This variant is considered likely benign or benign based on one or more of the following criteria: it is a conservative change, it occurs at a poorly conserved position in the protein, it is predicted to be benign by multiple in silico algorithms, and/or has population frequency not consistent with disease.

Ambry Genetics
Classification: Likely benign for Cardiovascular phenotype. Last evaluated: 2013-05-15. Review status: criteria provided, single submitter. Criteria: Ambry Autosomal Dominant and X-Linked criteria (10/2015). Collection method: clinical testing. Allele origin: germline. Observed: 1 variant allele.

Laboratory for Molecular Medicine, Mass General Brigham Personalized Medicine
Classification: Likely benign. Last evaluated: 2012-03-19. Review status: criteria provided, single submitter. Criteria: LMM Criteria. Collection method: clinical testing. Allele origin: germline. Observed: 1 variant allele.
Comment: Ala2054Ala in exon 28 of TTN: This variant is not expected to have clinical sign ificance because it does not alter an amino acid residue and is not located with in the splice consensus sequence. It has been identified in 1/7020 European Amer ican chromosomes from a broad population by the NHLBI Exome Sequencing Project (dbSNP rs143265948). Ala2054Ala in exon 28 of TTN (rs143265948; allele frequency = 1/7020) **

PreventionGenetics, part of Exact Sciences
Classification: Likely benign. Review status: criteria provided, single submitter. Criteria: ACMG Guidelines, 2015. Collection method: clinical testing. Allele origin: germline.